The following is an entry in ClinVar:

NM_001458.5(FLNC):c.4823G>T (p.Gly1608Val)

Gene: FLNC (filamin C; plus strand). Cytogenetic location: 7q32.1.
Variant type: single nucleotide variant.
Coding change: c.4823G>T on transcript NM_001458.5 (MANE Select); coding-DNA position 4823, G replaced by T.
Protein change: p.Gly1608Val; replaces glycine 1608 with valine.
Molecular consequence: missense variant.
Genome position (GRCh38, 1-based): chr7:128,848,878, G>T. VCF-style: chr7-128848878-G-T. GRCh37 (hg19) VCF-style: chr7-128488932-G-T.
Other names: c.4823G>T, p.Gly1608Val (NM_001127487.2); short protein forms G1608V.
Identifiers: ClinVar variation 4084009 (VCV004084009.8).

ClinVar aggregate classification (germline): Uncertain significance (1 of 4 stars; one submission).

Submission:

CeGaT Center for Human Genetics Tuebingen
Classification: Uncertain significance. Last evaluated: 2025-06-01. Review status: criteria provided, single submitter. Criteria: CeGaT Center For Human Genetics Tuebingen Variant Classification Criteria Version 2. Collection method: clinical testing. Allele origin: germline. Affected: yes. Observed: 1 variant allele.
Comment: FLNC: PM2